The following is an entry in ClinVar:

ClinVar aggregate classification (germline): Uncertain significance. Review status: criteria provided, multiple submitters, no conflicts (2 of 4 stars). 2 submissions from 2 submitters: Uncertain significance (2). Last evaluated 2023-06-14.

Allele frequency attached by ClinVar (database versions not stated): gnomAD exomes below 0.00001.
gnomAD v4.1: 5 of 1,614,232 alleles (0.00031%); highest among the groups gnomAD compares: South Asian, 0.0022%; no homozygotes.

Submissions (2):

Blueprint Genetics
Classification: Uncertain significance. Last evaluated: 2023-06-14. Review status: criteria provided, single submitter. Criteria: ACMG Guidelines, 2015. Collection method: clinical testing. Allele origin: germline.

Labcorp Genetics (formerly Invitae), Labcorp
Classification: Uncertain significance. Last evaluated: 2022-06-25. Review status: criteria provided, single submitter. Criteria: Invitae Variant Classification Sherloc (09022015). Collection method: clinical testing. Allele origin: germline.
Comment: Algorithms developed to predict the effect of missense changes on protein structure and function are either unavailable or do not agree on the potential impact of this missense change (SIFT: "Tolerated"; PolyPhen-2: "Probably Damaging"; Align-GVGD: "Class C0"). In summary, the available evidence is currently insufficient to determine the role of this variant in disease. Therefore, it has been classified as a Variant of Uncertain Significance. This variant has not been reported in the literature in individuals affected with CLRN1-related conditions. This variant is not present in population databases (gnomAD no frequency). This sequence change replaces valine, which is neutral and non-polar, with isoleucine, which is neutral and non-polar, at codon 47 of the CLRN1 protein (p.Val47Ile).

NM_174878.3(CLRN1):c.139G>A (p.Val47Ile)

Gene: CLRN1 (clarin 1; minus strand). Cytogenetic location: 3q25.1.
Variant type: single nucleotide variant.
Coding change: c.139G>A on transcript NM_174878.3 (MANE Select); coding-DNA position 139, G replaced by A.
Protein change: p.Val47Ile; replaces valine 47 with isoleucine.
Molecular consequence: missense variant. On other transcripts: non-coding transcript variant (1).
Genome position (GRCh38, 1-based): chr3:150,972,570, C>T on the plus strand (G>A on the coding strand, the complement: CLRN1 is on the minus strand). VCF-style: chr3-150972570-C-T. GRCh37 (hg19) VCF-style: chr3-150690357-C-T.
Other names: c.139G>A, p.Val47Ile (NM_001195794.1, NM_001256819.2); short protein forms V47I.
Identifiers: ClinVar variation 2111258 (VCV002111258.5), dbSNP rs2472831230, ClinGen allele CA355011974.